The following is an entry in ClinVar:

NM_005802.5(TOPORS):c.2344A>G (p.Thr782Ala)

Gene: TOPORS (TOP1 binding arginine/serine rich protein, E3 ubiquitin ligase; minus strand). Cytogenetic location: 9p21.1.
Variant type: single nucleotide variant.
Coding change: c.2344A>G on transcript NM_005802.5 (MANE Select); coding-DNA position 2344, A replaced by G.
Protein change: p.Thr782Ala; replaces threonine 782 with alanine.
Molecular consequence: missense variant.
Genome position (GRCh38, 1-based): chr9:32,542,181, T>C on the plus strand (A>G on the coding strand, the complement: TOPORS is on the minus strand). VCF-style: chr9-32542181-T-C. GRCh37 (hg19) VCF-style: chr9-32542179-T-C.
Other names: c.2149A>G, p.Thr717Ala (NM_001195622.2); short protein forms T782A, T717A.
Identifiers: ClinVar variation 196423 (VCV000196423.18), dbSNP rs746320974, ClinGen allele CA243378.

ClinVar aggregate classification (germline): Conflicting classifications of pathogenicity. Review status: criteria provided, conflicting classifications (1 of 4 stars). 5 submissions from 5 submitters: Uncertain significance (1); Benign (1); Likely benign (3). Last evaluated 2026-02-01.

Conditions:
TOPORS-related disorder. Also called: TOPORS-related condition.
Retinitis pigmentosa (RP). Identifiers: Orphanet 791, MedGen C0035334, MeSH D012174, MONDO:0019200, OMIM 268000. Inheritance: Autosomal dominant, autosomal recessive and X linked inheritance.

Allele frequency attached by ClinVar (database versions not stated): gnomAD 0.00009; ExAC 0.00010; gnomAD exomes 0.00010 and 0.00018; TOPMed 0.00012.
gnomAD v4.1: 168 of 1,614,120 alleles (0.01%); highest among the groups gnomAD compares: Admixed American, 0.01%; no homozygotes.

Submissions (5):

Labcorp Genetics (formerly Invitae), Labcorp
Classification: Likely benign. Last evaluated: 2026-02-01. Review status: criteria provided, single submitter. Criteria: Invitae Variant Classification Sherloc (09022015). Collection method: clinical testing. Allele origin: germline.

PreventionGenetics, part of Exact Sciences
Classification: Likely benign for TOPORS-related condition. Last evaluated: 2025-04-10. Review status: criteria provided, single submitter. Criteria: ACMG Guidelines, 2015. Collection method: clinical testing. Allele origin: germline.
Comment: This variant is classified as likely benign based on ACMG/AMP sequence variant interpretation guidelines (Richards et al. 2015 PMID: 25741868, with internal and published modifications).

Blueprint Genetics
Classification: Likely benign. Last evaluated: 2024-11-22. Review status: criteria provided, single submitter. Criteria: ACMG Guidelines, 2015. Collection method: clinical testing. Allele origin: germline.

Illumina Laboratory Services, Illumina
Classification: Benign for Retinitis pigmentosa. Last evaluated: 2017-04-28. Review status: criteria provided, single submitter. Criteria: ICSL Variant Classification Criteria 13 December 2019. Collection method: clinical testing. Allele origin: germline.
Comment: This variant was observed as part of a predisposition screen in an ostensibly healthy population. A literature search was performed for the gene, cDNA change, and amino acid change (where applicable). Publications were found based on this search. The evidence from the literature, in combination with allele frequency data from public databases where available, was sufficient to rule this variant out of causing disease. Therefore, this variant is classified as benign.

Eurofins Ntd Llc (ga)
Classification: Uncertain significance. Last evaluated: 2014-12-17. Review status: criteria provided, single submitter. Criteria: EGL Classification Definitions 2015. Collection method: clinical testing. Allele origin: germline. Observed: 2 variant alleles, 2 heterozygotes.

Literature cited by the submitters: PubMed 18509552 (cited by Illumina Laboratory Services, Illumina and Eurofins Ntd Llc (ga)).